The following is an entry in ClinVar:

ClinVar aggregate classification (germline): Pathogenic. Review status: criteria provided, multiple submitters, no conflicts (2 of 4 stars). 2 submissions from 2 submitters: Pathogenic (2). Last evaluated 2023-03-28.

Conditions:
Cardiovascular phenotype. Identifiers: MedGen CN230736.
Arrhythmogenic right ventricular dysplasia 8 (ARVD8). Also called: Arrhythmogenic Right Ventricular Dysplasia/Cardiomyopathy 8; ARRHYTHMOGENIC RIGHT VENTRICULAR DYSPLASIA, FAMILIAL, 8; ARRHYTHMOGENIC RIGHT VENTRICULAR CARDIOMYOPATHY 8. Identifiers: MedGen C1843896, MONDO:0011831, OMIM 607450.
Arrhythmogenic cardiomyopathy with wooly hair and keratoderma. Also called: PALMOPLANTAR KERATODERMA WITH LEFT VENTRICULAR CARDIOMYOPATHY AND WOOLLY HAIR; Carvajal syndrome; Dilated cardiomyopathy with woolly hair and keratoderma; Arrhythmogenic cardiomyopathy with woolly hair and keratoderma. Identifiers: Orphanet 65282, MedGen C1854063, MONDO:0011581, OMIM 605676.

Submissions (2):

Ambry Genetics
Classification: Pathogenic for Cardiovascular phenotype. Last evaluated: 2023-03-28. Review status: criteria provided, single submitter. Criteria: Ambry Variant Classification Scheme 2023. Collection method: clinical testing. Allele origin: germline.
Comment: The c.2616dupA pathogenic mutation, located in coding exon 18 of the DSP gene, results from a duplication of A at nucleotide position 2616, causing a translational frameshift with a predicted alternate stop codon (p.Q873Tfs*5). This variant is considered to be rare based on population cohorts in the Genome Aggregation Database (gnomAD). This alteration is expected to result in loss of function by premature protein truncation or nonsense-mediated mRNA decay. As such, this alteration is interpreted as a disease-causing mutation.

Labcorp Genetics (formerly Invitae), Labcorp
Classification: Pathogenic for Arrhythmogenic cardiomyopathy with wooly hair and keratoderma; Arrhythmogenic right ventricular dysplasia 8. Last evaluated: 2022-07-06. Review status: criteria provided, single submitter. Criteria: Invitae Variant Classification Sherloc (09022015). Collection method: clinical testing. Allele origin: germline.
Comment: For these reasons, this variant has been classified as Pathogenic. This variant has not been reported in the literature in individuals affected with DSP-related conditions. This variant is not present in population databases (gnomAD no frequency). This sequence change creates a premature translational stop signal (p.Gln873Thrfs*5) in the DSP gene. It is expected to result in an absent or disrupted protein product. Loss-of-function variants in DSP are known to be pathogenic (PMID: 20716751, 24503780, 25227139).

Literature cited by the submitters: PubMed 20716751 (cited by Labcorp Genetics (formerly Invitae), Labcorp); PubMed 24503780 (cited by Labcorp Genetics (formerly Invitae), Labcorp); PubMed 25227139 (cited by Labcorp Genetics (formerly Invitae), Labcorp).

NM_004415.4(DSP):c.2616dup (p.Gln873fs)

Gene: DSP (desmoplakin; plus strand). Cytogenetic location: 6p24.3.
Variant type: Duplication.
Coding change: c.2616dup on transcript NM_004415.4 (MANE Select); coding-DNA position 2616, one base duplicated (A; older notation c.2616dupA).
Protein change: p.Gln873fs; shifts the reading frame from glutamine 873.
Molecular consequence: frameshift variant.
Genome position (GRCh38, 1-based): chr6:7,575,474, A duplicated; the last of 3 consecutive A bases (chr6:7,575,472-7,575,474); duplicating any one gives the same sequence. VCF-style (leftmost placement, unchanged base first): chr6-7575471-T-TA. GRCh37 (hg19) VCF-style: chr6-7575704-T-TA.
Other names: c.2616dupA (NM_004415.2); c.2616dup, p.Gln873fs (NM_001008844.3, NM_001319034.2); short protein forms Q873fs.
Identifiers: ClinVar variation 2118361 (VCV002118361.6), dbSNP rs2533909283, ClinGen allele CA2580075366.
Genomic context (GRCh38, chr6:7,575,471, plus strand): 5'-GGACTTGGGCAAGTTCGGTGAAAAAGTCACACAGCTGACAGACCGCTGGCAAAGGATAGA[T>TA]AAACAGATCGACTTTAGGTATGCCAGCCTCCTCCCGCTCCTTCCCCATCTTCTCCCCTTT-3'